The following is an entry in ClinVar:

NM_000217.3(KCNA1):c.745T>A (p.Phe249Ile)

Gene: KCNA1 (potassium voltage-gated channel subfamily A member 1; plus strand). Cytogenetic location: 12p13.32.
Variant type: single nucleotide variant.
Coding change: c.745T>A on transcript NM_000217.3 (MANE Select); coding-DNA position 745, T replaced by A.
Protein change: p.Phe249Ile; replaces phenylalanine 249 with isoleucine.
Molecular consequence: missense variant.
Genome position (GRCh38, 1-based): chr12:4,912,123, T>A. VCF-style: chr12-4912123-T-A. GRCh37 (hg19) VCF-style: chr12-5021289-T-A.
Other names: short protein forms F249I.
Identifiers: ClinVar variation 13483 (VCV000013483.3), dbSNP rs104894356, ClinGen allele CA256877.

ClinVar aggregate classification (germline): Pathogenic. Review status: criteria provided, single submitter (1 of 4 stars). 2 submissions from 2 submitters: Pathogenic (1). 1 of the submissions does not count toward it. Last evaluated 2024-09-15.

Conditions:
Episodic ataxia type 1 (EA1). Also called: Episodic ataxia/myokymia syndrome; ATAXIA, EPISODIC, WITH MYOKYMIA; PAROXYSMAL ATAXIA WITH NEUROMYOTONIA, HEREDITARY; MYOKYMIA WITH PERIODIC ATAXIA. Identifiers: Orphanet 37612, Orphanet 972, MedGen C1719788, MONDO:0008047, OMIM 160120.

Submissions (2):

Labcorp Genetics (formerly Invitae), Labcorp
Classification: Pathogenic for Episodic ataxia type 1. Last evaluated: 2024-09-15. Review status: criteria provided, single submitter. Criteria: Invitae Variant Classification Sherloc (09022015). Collection method: clinical testing. Allele origin: germline.
Comment: This sequence change replaces phenylalanine, which is neutral and non-polar, with isoleucine, which is neutral and non-polar, at codon 249 of the KCNA1 protein (p.Phe249Ile). This variant is not present in population databases (gnomAD no frequency). This missense change has been observed in individual(s) with clinical features of KCNA1-related conditions (PMID: 7842011; internal data). It has also been observed to segregate with disease in related individuals. ClinVar contains an entry for this variant (Variation ID: 13483). Invitae Evidence Modeling of protein sequence and biophysical properties (such as structural, functional, and spatial information, amino acid conservation, physicochemical variation, residue mobility, and thermodynamic stability) indicates that this missense variant is expected to disrupt KCNA1 protein function with a positive predictive value of 80%. Experimental studies have shown that this missense change affects KCNA1 function (PMID: 8845167, 9526001). For these reasons, this variant has been classified as Pathogenic.

OMIM
Classification: Pathogenic for EPISODIC ATAXIA, TYPE 1. Last evaluated: 1995-12-01. Review status: no assertion criteria provided. Collection method: literature only. Allele origin: germline. Not counted in ClinVar's aggregate classification.

Literature cited by the submitters: PubMed 7842011 (cited by Labcorp Genetics (formerly Invitae), Labcorp and OMIM); PubMed 8845167 (cited by Labcorp Genetics (formerly Invitae), Labcorp and OMIM); PubMed 9526001 (cited by Labcorp Genetics (formerly Invitae), Labcorp).